The following is an entry in ClinVar:

ClinVar aggregate classification (germline): Uncertain significance. Review status: criteria provided, multiple submitters, no conflicts (2 of 4 stars). 4 submissions from 4 submitters: Uncertain significance (4). Last evaluated 2025-09-30.

Conditions:
C3 glomerulonephritis. Also called: C3 GLOMERULOPATHY 3; Nephropathy due to CFHR5 Deficiency. Identifiers: Orphanet 329931, MedGen C4055342, MONDO:0013892, OMIM 614809.
Age related macular degeneration 9. Identifiers: MedGen C1969651, MONDO:0012659, OMIM 611378.
Atypical hemolytic-uremic syndrome with C3 anomaly. Also called: AHUS, SUSCEPTIBILITY TO, 5. Identifiers: Orphanet 2134, MedGen C2752037, MONDO:0013043, OMIM 612925.
Complement component 3 deficiency. Identifiers: Orphanet 280133, MedGen C3151071, MONDO:0013417, OMIM 613779.

Allele frequency attached by ClinVar (database versions not stated): gnomAD 0.00001; TOPMed 0.00003; ExAC 0.00005; gnomAD exomes 0.00005; ESP Exome Variant Server 0.00008.
gnomAD v4.1: 37 of 1,613,624 alleles (0.0023%); highest among the groups gnomAD compares: Admixed American, 0.0033%; no homozygotes.

Submissions (4):

Genomenon, Inc
Classification: Uncertain significance for C3 glomerulonephritis. Last evaluated: 2025-09-30. Review status: criteria provided, single submitter. Criteria: Genomenon Sequence Variant Interpretation Standards. Collection method: curation. Allele origin: germline. Affected: yes.
Comment: C3 p.Val326Met (c.976G>A) is a missense variant that changes the amino acid at residue 326 from Valine to Methionine. This variant has been observed in at least one proband affected with C3 glomerulonephritis (PMID:37744338). It is absent or not present at a significant frequency in gnomAD. In silico models agree that this variant is not damaging. In conclusion, we classify C3 p.Val326Met (c.976G>A) as a variant of unknown significance.

Labcorp Genetics (formerly Invitae), Labcorp
Classification: Uncertain significance. Last evaluated: 2025-07-03. Review status: criteria provided, single submitter. Criteria: Invitae Variant Classification Sherloc (09022015). Collection method: clinical testing. Allele origin: germline.
Comment: This sequence change replaces valine, which is neutral and non-polar, with methionine, which is neutral and non-polar, at codon 326 of the C3 protein (p.Val326Met). This variant is present in population databases (rs375264020, gnomAD 0.007%). This missense change has been observed in individual(s) with C3 glomerulonephropathy (PMID: 37744338). ClinVar contains an entry for this variant (Variation ID: 1463640). Invitae Evidence Modeling of protein sequence and biophysical properties (such as structural, functional, and spatial information, amino acid conservation, physicochemical variation, residue mobility, and thermodynamic stability) indicates that this missense variant is not expected to disrupt C3 protein function with a negative predictive value of 80%. In summary, the available evidence is currently insufficient to determine the role of this variant in disease. Therefore, it has been classified as a Variant of Uncertain Significance.

Fulgent Genetics
Classification: Uncertain significance for Age related macular degeneration 9; Atypical hemolytic-uremic syndrome with C3 anomaly; Complement component 3 deficiency. Last evaluated: 2024-01-27. Review status: criteria provided, single submitter. Criteria: ACMG Guidelines, 2015. Collection method: clinical testing. Allele origin: germline.

Blueprint Genetics
Classification: Uncertain significance. Last evaluated: 2022-10-26. Review status: criteria provided, single submitter. Criteria: ACMG Guidelines, 2015. Collection method: clinical testing. Allele origin: germline.

Literature cited by the submitters: PubMed 37744338 (cited by Genomenon, Inc and Labcorp Genetics (formerly Invitae), Labcorp).

NM_000064.4(C3):c.976G>A (p.Val326Met)

Gene: C3 (complement C3; minus strand). Cytogenetic location: 19p13.3.
Variant type: single nucleotide variant.
Coding change: c.976G>A on transcript NM_000064.4 (MANE Select); coding-DNA position 976, G replaced by A.
Protein change: p.Val326Met; replaces valine 326 with methionine.
Molecular consequence: missense variant.
Genome position (GRCh38, 1-based): chr19:6,713,216, C>T on the plus strand (G>A on the coding strand, the complement: C3 is on the minus strand). VCF-style: chr19-6713216-C-T. GRCh37 (hg19) VCF-style: chr19-6713227-C-T.
Other names: short protein forms V326M.
Identifiers: ClinVar variation 1463640 (VCV001463640.10), dbSNP rs375264020, ClinGen allele CA9129610.